The following is an entry in ClinVar:

NM_033334.4(NR6A1):c.1355-2A>G

Gene: NR6A1 (nuclear receptor subfamily 6 group A member 1; minus strand). Cytogenetic location: 9q33.3.
Variant type: single nucleotide variant.
Coding change: c.1355-2A>G on transcript NM_033334.4 (MANE Select); the canonical splice acceptor site of the intron before coding-DNA position 1355, A replaced by G.
Molecular consequence: splice acceptor variant.
Genome position (GRCh38, 1-based): chr9:124,522,795, T>C on the plus strand (A>G on the coding strand, the complement: NR6A1 is on the minus strand). VCF-style: chr9-124522795-T-C. GRCh37 (hg19) VCF-style: chr9-127285074-T-C.
Other names: c.1340-2A>G (NM_001489.5); c.1343-2A>G (NM_001278546.2); c.1352-2A>G (NM_001410996.1).
Identifiers: ClinVar variation 4759265 (VCV004759265.1).
Genomic context (GRCh38, chr9:124,522,795, plus strand): 5'-ATGCAGCACCACCTTAAAGAGGAGGGGCAGCTGCTCCAGGGGCACATTCACCATCTTTCC[T>C]GGGAACAAGGGGGGAGAAGAAGAGTTAGCAGTGGTCACTCTAGTGGACAGGCAAGTCAGC-3'

ClinVar aggregate classification (germline): Likely pathogenic (1 of 4 stars; one submission).

Conditions:
Oculovertebral syndrome. Identifiers: MedGen C6065896, MONDO:0979866, OMIM 621277.

Submission:

Molecular Genetics of Human Eye Development, Oxford Brookes University
Classification: Likely pathogenic for Oculovertebral syndrome. Last evaluated: 2026-02-06. Review status: criteria provided, single submitter. Criteria: ACMG Guidelines, 2015. Collection method: clinical testing. Allele origin: unknown. Affected: yes. Observed: 1 variant allele.
Comment: Systemic features include conductive hearing loss, cleft lip and palate, solitary kidney and missing vertebrae. The variant was previously reported as pathogenic in a fetus with bilateral renal agenesis, absent ureters and bladder hypoplasia [as c.1352-2A >G (hg37) (PMID: 41068109)]. The variant is absent in genomic databases, including gnomAD v4.10, and predicted damaging. The variant is classified as likely pathogenic (PVS1, PM2 - ACMG Guidelines, 2015 [PMID:25741868])

Literature cited by the submitters: PubMed 40774958.